The following is an entry in ClinVar:

NM_000350.3(ABCA4):c.5332A>G (p.Met1778Val)

Gene: ABCA4 (ATP binding cassette subfamily A member 4; minus strand). Cytogenetic location: 1p22.1.
Variant type: single nucleotide variant.
Coding change: c.5332A>G on transcript NM_000350.3 (MANE Select); coding-DNA position 5332, A replaced by G.
Protein change: p.Met1778Val; replaces methionine 1778 with valine.
Molecular consequence: missense variant.
Genome position (GRCh38, 1-based): chr1:94,014,671, T>C on the plus strand (A>G on the coding strand, the complement: ABCA4 is on the minus strand). VCF-style: chr1-94014671-T-C. GRCh37 (hg19) VCF-style: chr1-94480227-T-C.
Other names: c.5110A>G, p.Met1704Val (NM_001425324.1); short protein forms M1778V, M1704V.
Identifiers: ClinVar variation 1914754 (VCV001914754.5), dbSNP rs768206358, ClinGen allele CA341281498.

ClinVar aggregate classification (germline): Pathogenic (1 of 4 stars; one submission).

Submission:

Labcorp Genetics (formerly Invitae), Labcorp
Classification: Pathogenic. Last evaluated: 2022-08-13. Review status: criteria provided, single submitter. Criteria: Invitae Variant Classification Sherloc (09022015). Collection method: clinical testing. Allele origin: germline.
Comment: This sequence change replaces methionine, which is neutral and non-polar, with valine, which is neutral and non-polar, at codon 1778 of the ABCA4 protein (p.Met1778Val). This variant is not present in population databases (gnomAD no frequency). This missense change has been observed in individual(s) with Stargardt disease (PMID: 32141364). Advanced modeling of protein sequence and biophysical properties (such as structural, functional, and spatial information, amino acid conservation, physicochemical variation, residue mobility, and thermodynamic stability) performed at Invitae indicates that this missense variant is expected to disrupt ABCA4 protein function. For these reasons, this variant has been classified as Pathogenic.

Literature cited by the submitters: PubMed 32141364.